The following is an entry in ClinVar:

NM_182961.4(SYNE1):c.7713-49G>A

Gene: SYNE1 (spectrin repeat containing nuclear envelope protein 1; minus strand). Cytogenetic location: 6q25.2.
Variant type: single nucleotide variant.
Coding change: c.7713-49G>A on transcript NM_182961.4 (MANE Select); 49 bases into the intron before coding-DNA position 7713, G replaced by A.
Molecular consequence: intron variant.
Genome position (GRCh38, 1-based): chr6:152,391,617, C>T on the plus strand (G>A on the coding strand, the complement: SYNE1 is on the minus strand). VCF-style: chr6-152391617-C-T. GRCh37 (hg19) VCF-style: chr6-152712752-C-T.
Other names: c.7734-49G>A (NM_033071.5).
Identifiers: ClinVar variation 262200 (VCV000262200.4), dbSNP rs214944, ClinGen allele CA4057746.

ClinVar aggregate classification (germline): Benign. Review status: criteria provided, multiple submitters, no conflicts (2 of 4 stars). 5 submissions from 3 submitters: Benign (5). Last evaluated 2021-07-15.

Conditions:
Arthrogryposis multiplex congenita 3, myogenic type. Also called: ARTHROGRYPOSIS MULTIPLEX CONGENITA, MYOGENIC TYPE. Identifiers: MedGen C5193121, MONDO:0032778, OMIM 618484.
Emery-Dreifuss muscular dystrophy 4, autosomal dominant (EDMD4). Also called: EMERY-DREIFUSS MUSCULAR DYSTROPHY 4 WITH VARIABLE FEATURES. Identifiers: Orphanet 261, MedGen C2751807, MONDO:0013071, OMIM 612998.
Autosomal recessive ataxia, Beauce type. Also called: Spinocerebellar ataxia, autosomal recessive 8; ATAXIA, RECESSIVE, OF BEAUCE; SYNE1-Related Autosomal Recessive Cerebellar Ataxia; SYNE1 Deficiency. Identifiers: Orphanet 88644, MedGen C1853116, MONDO:0012549, OMIM 610743.

Allele frequency attached by ClinVar (database versions not stated): ExAC 0.32772; ESP Exome Variant Server 0.35931; gnomAD exomes 0.36792; gnomAD 0.47302; TOPMed 0.48513; 1000 Genomes Project 30x 0.55762; 1000 Genomes Project 0.55871.
gnomAD v4.1: 584,389 of 1,482,530 alleles (39%); highest among the groups gnomAD compares: East Asian, 77%; 126,375 homozygotes.

Submissions (5):

Genome-Nilou Lab
Classification: Benign for Arthrogryposis multiplex congenita 3, myogenic type. Last evaluated: 2021-07-15. Review status: criteria provided, single submitter. Criteria: ACMG Guidelines, 2015. Collection method: clinical testing. Allele origin: germline. Affected: no.

Genome-Nilou Lab
Classification: Benign for Emery-Dreifuss muscular dystrophy 4, autosomal dominant. Last evaluated: 2021-07-15. Review status: criteria provided, single submitter. Criteria: ACMG Guidelines, 2015. Collection method: clinical testing. Allele origin: germline. Affected: no.

Genome-Nilou Lab
Classification: Benign for Autosomal recessive ataxia, Beauce type. Last evaluated: 2021-07-15. Review status: criteria provided, single submitter. Criteria: ACMG Guidelines, 2015. Collection method: clinical testing. Allele origin: germline. Affected: no.

GeneDx
Classification: Benign. Last evaluated: 2018-06-14. Review status: criteria provided, single submitter. Criteria: GeneDx Variant Classification (06012015). Collection method: clinical testing. Allele origin: germline. Affected: yes.
Comment: This variant is considered likely benign or benign based on one or more of the following criteria: it is a conservative change, it occurs at a poorly conserved position in the protein, it is predicted to be benign by multiple in silico algorithms, and/or has population frequency not consistent with disease.

PreventionGenetics, part of Exact Sciences
Classification: Benign. Review status: criteria provided, single submitter. Criteria: ACMG Guidelines, 2015. Collection method: clinical testing. Allele origin: germline.